The following is an entry in ClinVar:

ClinVar aggregate classification (germline): Uncertain significance. Review status: reviewed by expert panel (3 of 4 stars). 5 submissions from 5 submitters: Uncertain significance (1). 4 of the submissions do not count toward it. Last evaluated 2025-01-30.

Conditions:
GUCY2D-related disorder. Also called: GUCY2D-related condition.
GUCY2D-related recessive retinopathy. Also called: Recessive GUCY2D retinopathy. Identifiers: MedGen CN305603, MONDO:0100453.
Leber congenital amaurosis 1 (LCA1). Also called: RETINAL BLINDNESS, CONGENITAL; AMAUROSIS CONGENITA OF LEBER I; Congenital absence of the rods and cones; Leber's congenital tapetoretinal degeneration; Leber's congenital tapetoretinal dysplasia. Identifiers: Orphanet 65, MedGen C2931258, MONDO:0008764, OMIM 204000.
Cone-rod dystrophy 6 (CORD6). Also called: Cone dystrophy progressive; RETINAL CONE DYSTROPHY 2. Identifiers: Orphanet 1872, MedGen C1866293, MONDO:0011143, OMIM 601777.

Allele frequency attached by ClinVar (database versions not stated): TOPMed 0.00005; ESP Exome Variant Server 0.00008; gnomAD 0.00017 and 0.00019; ExAC 0.00031.
gnomAD v4.1: 299 of 1,613,662 alleles (0.019%); highest among the groups gnomAD compares: Non-Finnish European, 0.016%; no homozygotes.

Submissions (5):

ClinGen Leber Congenital Amaurosis/early Onset Retinal Dystrophy Variant Curation Expert Panel, ClinGen
Classification: Uncertain significance for GUCY2D-related recessive retinopathy. Last evaluated: 2025-01-30. Review status: reviewed by expert panel. Criteria: ClinGen LCAeoRD ACMG Specifications GUCY2D V1.0.0. Collection method: curation. Allele origin: germline. Inheritance: Autosomal recessive inheritance.
Comment: The NM_000180.4(GUCY2D):c.1499C>T (p.Pro500Leu) variant is predicted to change the proline at position p.500 to leucine. This variant is present in gnomAD v.4.1.0 at a total allele frequency of 0.0001853, with 299 alleles / 1,613,662 total alleles, which is lower than the ClinGen LCA/eoRD VCEP PM2_Supporting threshold of <0.0004 (PM2_Supporting). The computational predictor REVEL gives a score of 0.598, which is below the ClinGen LCA / eoRD VCEP threshold of ≥0.644 and does not predict a damaging effect on RETGC-1 function. Additionally, the splicing impact predictor SpliceAI gives a score of 0.01, which is below the ClinGen LCA / eoRD VCEP recommended threshold of ≥0.2 and does not strongly predict an impact on splicing. This variant has been observed in the heterozygous state in some but not all affected members of a family with autosomal dominant retinitis pigmentosa. Because the heterozygous state of the variant is not relevant to the disease mode of inheritance, BS4 was not met (PMID: 22277662). In summary, this variant meets the criteria to be classified as a variant of uncertain significance for GUCY2D-related recessive retinopathy based on the ACMG/AMP criteria applied, as specified by the ClinGen LCA/eoRD VCEP: PM2_Supporting. (VCEP specifications version 1.0.0; date of approval 01/22/2025).

Blueprint Genetics
Classification: Uncertain significance. Last evaluated: 2024-04-22. Review status: criteria provided, single submitter. Criteria: ACMG Guidelines, 2015. Collection method: clinical testing. Allele origin: germline. Not counted in ClinVar's aggregate classification.

Labcorp Genetics (formerly Invitae), Labcorp
Classification: Uncertain significance for Leber congenital amaurosis 1; Cone-rod dystrophy 6. Last evaluated: 2024-03-17. Review status: criteria provided, single submitter. Criteria: Invitae Variant Classification Sherloc (09022015). Collection method: clinical testing. Allele origin: germline. Not counted in ClinVar's aggregate classification.
Comment: This sequence change replaces proline, which is neutral and non-polar, with leucine, which is neutral and non-polar, at codon 500 of the GUCY2D protein (p.Pro500Leu). This variant is present in population databases (rs200211315, gnomAD 0.2%). This variant has not been reported in the literature in individuals affected with GUCY2D-related conditions. ClinVar contains an entry for this variant (Variation ID: 198055). Advanced modeling of protein sequence and biophysical properties (such as structural, functional, and spatial information, amino acid conservation, physicochemical variation, residue mobility, and thermodynamic stability) performed at Invitae indicates that this missense variant is not expected to disrupt GUCY2D protein function with a negative predictive value of 80%. In summary, the available evidence is currently insufficient to determine the role of this variant in disease. Therefore, it has been classified as a Variant of Uncertain Significance.

Eurofins Ntd Llc (ga)
Classification: Uncertain significance. Last evaluated: 2014-09-02. Review status: criteria provided, single submitter. Criteria: EGL Classification Definitions 2015. Collection method: clinical testing. Allele origin: germline. Observed: 1 variant allele, 1 heterozygote. Not counted in ClinVar's aggregate classification.

PreventionGenetics, part of Exact Sciences
Classification: Likely benign for GUCY2D-related condition. Last evaluated: 2022-05-18. Review status: no assertion criteria provided. Collection method: clinical testing. Allele origin: germline. Not counted in ClinVar's aggregate classification.
Comment: This variant is classified as likely benign based on ACMG/AMP sequence variant interpretation guidelines (Richards et al. 2015 PMID: 25741868, with internal and published modifications).

NM_000180.4(GUCY2D):c.1499C>T (p.Pro500Leu)

Gene: GUCY2D (guanylate cyclase 2D, retinal; plus strand). Cytogenetic location: 17p13.1.
Variant type: single nucleotide variant.
Coding change: c.1499C>T on transcript NM_000180.4 (MANE Select); coding-DNA position 1499, C replaced by T.
Protein change: p.Pro500Leu; replaces proline 500 with leucine.
Molecular consequence: missense variant.
Genome position (GRCh38, 1-based): chr17:8,007,461, C>T. VCF-style: chr17-8007461-C-T. GRCh37 (hg19) VCF-style: chr17-7910779-C-T.
Other names: NM_000180.4(GUCY2D):c.1499C>T; p.Pro500Leu; short protein forms P500L.
Identifiers: ClinVar variation 198055 (VCV000198055.13), dbSNP rs200211315, ClinGen allele CA246543.